The following is an entry in ClinVar:

ClinVar aggregate classification (germline): Uncertain significance (1 of 4 stars; one submission).

Conditions:
Congenital myotonia, autosomal recessive form. Also called: BECKER DISEASE; Becker Generalized Myotonia; myotonia congenita, autosomal recessive. Identifiers: Orphanet 614, MedGen C0751360, MONDO:0009715, OMIM 255700.
Congenital myotonia, autosomal dominant form (THD). Also called: THOMSEN DISEASE; Myotonia congenita autosomal dominant. Identifiers: Orphanet 614, MedGen C2936781, MONDO:0008055, OMIM 160800.

Submission:

Labcorp Genetics (formerly Invitae), Labcorp
Classification: Uncertain significance for Congenital myotonia, autosomal recessive form; Congenital myotonia, autosomal dominant form. Last evaluated: 2024-04-25. Review status: criteria provided, single submitter. Criteria: Invitae Variant Classification Sherloc (09022015). Collection method: clinical testing. Allele origin: germline.
Comment: This sequence change replaces lysine, which is basic and polar, with arginine, which is basic and polar, at codon 752 of the CLCN1 protein (p.Lys752Arg). This variant is not present in population databases (gnomAD no frequency). This missense change has been observed in individual(s) with clinical features of myotonia congenita (PMID: 15241802). ClinVar contains an entry for this variant (Variation ID: 1367526). Advanced modeling of protein sequence and biophysical properties (such as structural, functional, and spatial information, amino acid conservation, physicochemical variation, residue mobility, and thermodynamic stability) performed at Invitae indicates that this missense variant is not expected to disrupt CLCN1 protein function with a negative predictive value of 95%. Experimental studies have shown that this missense change does not substantially affect CLCN1 function (PMID: 15241802). In summary, the available evidence is currently insufficient to determine the role of this variant in disease. Therefore, it has been classified as a Variant of Uncertain Significance.

Literature cited by the submitters: PubMed 15241802.

NM_000083.3(CLCN1):c.2255A>G (p.Lys752Arg)

Gene: CLCN1 (chloride voltage-gated channel 1; plus strand). Cytogenetic location: 7q34.
Variant type: single nucleotide variant.
Coding change: c.2255A>G on transcript NM_000083.3 (MANE Select); coding-DNA position 2255, A replaced by G.
Protein change: p.Lys752Arg; replaces lysine 752 with arginine.
Molecular consequence: missense variant. On other transcripts: non-coding transcript variant (1).
Genome position (GRCh38, 1-based): chr7:143,346,222, A>G. VCF-style: chr7-143346222-A-G. GRCh37 (hg19) VCF-style: chr7-143043315-A-G.
Other names: short protein forms K752R.
Identifiers: ClinVar variation 1367526 (VCV001367526.8), dbSNP rs2116386398, ClinGen allele CA369651417.